The following is an entry in ClinVar:

ClinVar aggregate classification (germline): Pathogenic (1 of 4 stars; one submission).

Conditions:
Familial adenomatous polyposis 4 (FAP4). Also called: MSH3-related attenuated familial adenomatous polyposis. Identifiers: Orphanet 480536, MedGen C4310719, MONDO:0044300, OMIM 617100.

Submission:

Myriad Genetics, Inc.
Classification: Pathogenic for Familial adenomatous polyposis 4. Last evaluated: 2023-08-30. Review status: criteria provided, single submitter. Criteria: Myriad Autosomal Dominant, Autosomal Recessive and X-Linked Classification Criteria (2023). Collection method: clinical testing. Allele origin: unknown.
Comment: This variant is considered pathogenic. This variant creates a termination codon and is predicted to result in premature protein truncation.

NM_002439.5(MSH3):c.1546G>T (p.Glu516Ter)

Gene: MSH3 (mutS homolog 3; plus strand). Cytogenetic location: 5q14.1.
Variant type: single nucleotide variant.
Coding change: c.1546G>T on transcript NM_002439.5 (MANE Select); coding-DNA position 1546, G replaced by T.
Protein change: p.Glu516Ter; replaces glutamic acid 516 with a stop codon.
Molecular consequence: nonsense.
Genome position (GRCh38, 1-based): chr5:80,728,943, G>T. VCF-style: chr5-80728943-G-T. GRCh37 (hg19) VCF-style: chr5-80024762-G-T.
Other names: short protein forms E516*.
Identifiers: ClinVar variation 2673515 (VCV002673515.1), dbSNP rs2546754698, ClinGen allele CA360274342.